The following is an entry in ClinVar:

NM_032444.4(SLX4):c.2160+8C>A

Gene: SLX4 (SLX4 structure-specific endonuclease subunit; minus strand). Cytogenetic location: 16p13.3.
Variant type: single nucleotide variant.
Coding change: c.2160+8C>A on transcript NM_032444.4 (MANE Select); 8 bases into the intron after coding-DNA position 2160, C replaced by A.
Molecular consequence: intron variant.
Genome position (GRCh38, 1-based): chr16:3,594,445, G>T on the plus strand (C>A on the coding strand, the complement: SLX4 is on the minus strand). VCF-style: chr16-3594445-G-T. GRCh37 (hg19) VCF-style: chr16-3644446-G-T.
Identifiers: ClinVar variation 1896046 (VCV001896046.2), dbSNP rs374004875, ClinGen allele CA620448532.
Genomic context (GRCh38, chr16:3,594,445, plus strand): 5'-GTTGGAGAAAGGCAGGAGGAGAGAGGGAGAGAGAGGAAAGGAGGGCACACGGCAGCCCAC[G>T]TACTTACATACTGGATGAGGAGCGGGCATCGGGCATAAAGCACGAACTTGTGGGCGTAAA-3'

ClinVar aggregate classification (germline): Uncertain significance (1 of 4 stars; one submission).

Conditions:
Fanconi anemia (FA). Also called: Fanconi's anemia. Identifiers: Orphanet 84, MedGen C0015625, MeSH D005199, MONDO:0019391.

gnomAD v4.1: 1 of 1,611,404 alleles (0.000062%); highest among the groups gnomAD compares: Non-Finnish European, 0.000085%; no homozygotes.

Submission:

Labcorp Genetics (formerly Invitae), Labcorp
Classification: Uncertain significance for Fanconi anemia. Last evaluated: 2022-06-19. Review status: criteria provided, single submitter. Criteria: Invitae Variant Classification Sherloc (09022015). Collection method: clinical testing. Allele origin: germline.
Comment: This sequence change falls in intron 10 of the SLX4 gene. It does not directly change the encoded amino acid sequence of the SLX4 protein. This variant is not present in population databases (gnomAD no frequency). This variant has not been reported in the literature in individuals affected with SLX4-related conditions. Algorithms developed to predict the effect of sequence changes on RNA splicing suggest that this variant may create or strengthen a splice site. In summary, the available evidence is currently insufficient to determine the role of this variant in disease. Therefore, it has been classified as a Variant of Uncertain Significance.